The following is an entry in ClinVar:

ClinVar aggregate classification (germline): Uncertain significance (1 of 4 stars; one submission).

Submission:

GeneDx
Classification: Uncertain significance. Last evaluated: 2025-06-29. Review status: criteria provided, single submitter. Criteria: GeneDx Variant Classification Process June 2021. Collection method: clinical testing. Allele origin: germline. Affected: yes.
Comment: Not observed at significant frequency in large population cohorts (gnomAD); In silico analysis supports that this missense variant has a deleterious effect on protein structure/function; Has not been previously published as pathogenic or benign to our knowledge

NM_006265.3(RAD21):c.1700T>C (p.Leu567Pro)

Gene: RAD21 (RAD21 cohesin complex component; minus strand). Cytogenetic location: 8q24.11.
Variant type: single nucleotide variant.
Coding change: c.1700T>C on transcript NM_006265.3 (MANE Select); coding-DNA position 1700, T replaced by C.
Protein change: p.Leu567Pro; replaces leucine 567 with proline.
Molecular consequence: missense variant.
Genome position (GRCh38, 1-based): chr8:116,848,950, A>G on the plus strand (T>C on the coding strand, the complement: RAD21 is on the minus strand). VCF-style: chr8-116848950-A-G. GRCh37 (hg19) VCF-style: chr8-117861189-A-G.
Other names: short protein forms L567P.
Identifiers: ClinVar variation 4539881 (VCV004539881.1).
Genomic context (GRCh38, chr8:116,848,950, plus strand): 5'-AACAATGGCAAAAGCCTTTGATGAAGCATTTTCCTCTGAGACAACAGCGGCAATACCTGA[A>G]GACCATGAAGCATCTGCTGAGTCCTTTTGTTCCATCTTCTTTCTTCCTGATCTTGATCGC-3'
Protein context (NP_006256.1, residues 557-577): NKRTQQMLHG[Leu567Pro]QRALAKTGAE